The following is an entry in ClinVar:

NM_000059.4(BRCA2):c.3427G>T (p.Glu1143Ter)

Gene: BRCA2 (BRCA2 DNA repair associated; plus strand). Cytogenetic location: 13q13.1.
Variant type: single nucleotide variant.
Coding change: c.3427G>T on transcript NM_000059.4 (MANE Select); coding-DNA position 3427, G replaced by T.
Protein change: p.Glu1143Ter; replaces glutamic acid 1143 with a stop codon.
Molecular consequence: nonsense. On other transcripts: non-coding transcript variant (1), intron variant (2).
Genome position (GRCh38, 1-based): chr13:32,337,782, G>T. VCF-style: chr13-32337782-G-T. GRCh37 (hg19) VCF-style: chr13-32911919-G-T.
Other names: c.3427G>T, p.Glu1143Ter (NM_001406719.1, NM_001406720.1, NM_001432077.1); c.1909+4395G>T (NM_001406721.1); c.424+6752G>T (NM_001406722.1); short protein forms E1143*.
Identifiers: ClinVar variation 3649289 (VCV003649289.2).

ClinVar aggregate classification (germline): Pathogenic (1 of 4 stars; one submission).

Conditions:
Hereditary breast ovarian cancer syndrome. Also called: Hereditary breast and ovarian cancer syndrome (HBOC); Hereditary breast and ovarian cancer; BRCA1- and BRCA2-Associated Hereditary Breast and Ovarian Cancer; Hereditary breast and ovarian cancer syndrome; Hereditary breast and/or ovarian cancer syndrome; Breast and ovarian cancer. Identifiers: Orphanet 145, MedGen C0677776, MeSH D061325, MONDO:0003582. Disease mechanism: loss of function.

Submission:

Labcorp Genetics (formerly Invitae), Labcorp
Classification: Pathogenic for Hereditary breast ovarian cancer syndrome. Last evaluated: 2024-04-09. Review status: criteria provided, single submitter. Criteria: Invitae Variant Classification Sherloc (09022015). Collection method: clinical testing. Allele origin: germline.
Comment: This sequence change creates a premature translational stop signal (p.Glu1143*) in the BRCA2 gene. It is expected to result in an absent or disrupted protein product. Loss-of-function variants in BRCA2 are known to be pathogenic (PMID: 20104584). This variant is not present in population databases (gnomAD no frequency). This variant has not been reported in the literature in individuals affected with BRCA2-related conditions. For these reasons, this variant has been classified as Pathogenic.

Literature cited by the submitters: PubMed 20104584.